The following is an entry in ClinVar:

ClinVar aggregate classification (germline): Likely benign (1 of 4 stars; one submission).

Conditions:
Retinitis pigmentosa (RP). Identifiers: Orphanet 791, MedGen C0035334, MeSH D012174, MONDO:0019200, OMIM 268000. Inheritance: Autosomal dominant, autosomal recessive and X linked inheritance.

Allele frequency attached by ClinVar (database versions not stated): ExAC 0.00040; gnomAD 0.00048 and 0.00053; gnomAD exomes 0.00048; TOPMed 0.00074.

Submission:

Illumina Laboratory Services, Illumina
Classification: Likely benign for Retinitis pigmentosa. Last evaluated: 2018-01-13. Review status: criteria provided, single submitter. Criteria: ICSL Variant Classification Criteria 13 December 2019. Collection method: clinical testing. Allele origin: germline.
Comment: This variant was observed in the ICSL laboratory as part of a predisposition screen in an ostensibly healthy population. It had not been previously curated by ICSL or reported in the Human Gene Mutation Database (HGMD: prior to June 1st, 2018), and was therefore a candidate for classification through an automated scoring system. Utilizing variant allele frequency, disease prevalence and penetrance estimates, and inheritance mode, an automated score was calculated to assess if this variant is too frequent to cause the disease. Based on the score and internal cut-off values, a variant classified as likely benign is not then subjected to further curation. The score for this variant resulted in a classification of likely benign for this disease.

NM_001354768.3(NRL):c.-25G>C

Gene: NRL (neural retina leucine zipper; minus strand). Cytogenetic location: 14q11.2.
Variant type: single nucleotide variant.
Coding change: c.-25G>C on transcript NM_001354768.3 (MANE Select); 25 bases upstream of the start codon, G replaced by C.
Molecular consequence: 5 prime UTR variant.
Genome position (GRCh38, 1-based): chr14:24,082,873, C>G on the plus strand (G>C on the coding strand, the complement: NRL is on the minus strand). VCF-style: chr14-24082873-C-G. GRCh37 (hg19) VCF-style: chr14-24552082-C-G.
Other names: c.-25G>C (NM_001354769.1, NM_001354770.2, NM_006177.5).
Identifiers: ClinVar variation 312942 (VCV000312942.5), dbSNP rs771610707, ClinGen allele CA7122951.